The following is an entry in ClinVar:

NM_001256021.2(TRDN):c.822A>T (p.Gly274=)

Gene: TRDN (triadin; minus strand). Cytogenetic location: 6q22.31.
Variant type: single nucleotide variant.
Coding change: c.822A>T on transcript NM_001256021.2 (MANE Plus Clinical); coding-DNA position 822, A replaced by T.
Protein change: p.Gly274=; no amino-acid change (glycine 274 retained).
Molecular consequence: synonymous variant. On other transcripts: intron variant (4).
Genome position (GRCh38, 1-based): chr6:123,503,690, T>A on the plus strand (A>T on the coding strand, the complement: TRDN is on the minus strand). VCF-style: chr6-123503690-T-A. GRCh37 (hg19) VCF-style: chr6-123824835-T-A.
Other names: c.793+29A>T (NM_006073.4, NM_001407315.1, NM_001251987.2 and 1 more transcripts).
Identifiers: ClinVar variation 3057440 (VCV003057440.2), dbSNP rs1360805936, ClinGen allele CA3984288.

ClinVar aggregate classification (germline): Likely benign (0 of 4 stars; one submission).

Conditions:
TRDN-related disorder. Also called: TRDN-related condition.

Allele frequency attached by ClinVar (database versions not stated): gnomAD exomes 0.00012; TOPMed 0.00005; ExAC 0.00020; gnomAD 0.00013.
gnomAD v4.1: 198 of 1,612,988 alleles (0.012%); highest among the groups gnomAD compares: Non-Finnish European, 0.013%; no homozygotes.

Submission:

PreventionGenetics, part of Exact Sciences
Classification: Likely benign for TRDN-related condition. Last evaluated: 2019-04-09. Review status: no assertion criteria provided. Collection method: clinical testing. Allele origin: germline.
Comment: This variant is classified as likely benign based on ACMG/AMP sequence variant interpretation guidelines (Richards et al. 2015 PMID: 25741868, with internal and published modifications).